The following is an entry in ClinVar:

NM_003239.5(TGFB3):c.86C>T (p.Thr29Ile)

Gene: TGFB3 (transforming growth factor beta 3; minus strand). Cytogenetic location: 14q24.3.
Variant type: single nucleotide variant.
Coding change: c.86C>T on transcript NM_003239.5 (MANE Select); coding-DNA position 86, C replaced by T.
Protein change: p.Thr29Ile; replaces threonine 29 with isoleucine.
Molecular consequence: missense variant.
Genome position (GRCh38, 1-based): chr14:75,980,808, G>A on the plus strand (C>T on the coding strand, the complement: TGFB3 is on the minus strand). VCF-style: chr14-75980808-G-A. GRCh37 (hg19) VCF-style: chr14-76447151-G-A.
Other names: c.86C>T, p.Thr29Ile (NM_001329938.2, NM_001329939.2); short protein forms T29I.
Identifiers: ClinVar variation 3625320 (VCV003625320.2).

ClinVar aggregate classification (germline): Uncertain significance (1 of 4 stars; one submission).

Conditions:
Rienhoff syndrome. Also called: LOEYS-DIETZ SYNDROME 5. Identifiers: MedGen C3810012, MONDO:0014262, OMIM 615582.

gnomAD v4.1: 1 of 1,614,184 alleles (0.000062%); highest among the groups gnomAD compares: Non-Finnish European, 0.000085%; no homozygotes.

Submission:

Labcorp Genetics (formerly Invitae), Labcorp
Classification: Uncertain significance for Rienhoff syndrome. Last evaluated: 2024-07-29. Review status: criteria provided, single submitter. Criteria: Invitae Variant Classification Sherloc (09022015). Collection method: clinical testing. Allele origin: germline.
Comment: This sequence change replaces threonine, which is neutral and polar, with isoleucine, which is neutral and non-polar, at codon 29 of the TGFB3 protein (p.Thr29Ile). This variant is not present in population databases (gnomAD no frequency). This variant has not been reported in the literature in individuals affected with TGFB3-related conditions. An algorithm developed to predict the effect of missense changes on protein structure and function (PolyPhen-2) suggests that this variant is likely to be disruptive. In summary, the available evidence is currently insufficient to determine the role of this variant in disease. Therefore, it has been classified as a Variant of Uncertain Significance.